The following is an entry in ClinVar:

ClinVar aggregate classification (germline): Uncertain significance (1 of 4 stars; one submission).

Conditions:
Inborn genetic diseases. Identifiers: MedGen C0950123, MeSH D030342.

Submission:

Ambry Genetics
Classification: Uncertain significance for Inborn genetic diseases. Last evaluated: 2020-09-22. Review status: criteria provided, single submitter. Criteria: Ambry Variant Classification Scheme 2023. Collection method: clinical testing. Allele origin: germline.
Comment: The c.1502T>G (p.M501R) alteration is located in coding exon 8 of the HNRNPU gene. This alteration results from a T to G substitution at nucleotide position 1502, causing the methionine (M) at amino acid position 501 to be replaced by an arginine (R). Based on data from the Genome Aggregation Database (gnomAD), the HNRNPU c.1502T>G alteration was not observed, with coverage at this position. The p.M501 amino acid is conserved through reptiles. The in silico prediction for the p.M501R alteration is inconclusive. Based on insufficient or conflicting evidence, the clinical significance of this alteration remains unclear.

NM_031844.3(HNRNPU):c.1502T>G (p.Met501Arg)

Gene: HNRNPU (heterogeneous nuclear ribonucleoprotein U; minus strand). Cytogenetic location: 1q44.
Variant type: single nucleotide variant.
Coding change: c.1502T>G on transcript NM_031844.3 (MANE Select); coding-DNA position 1502, T replaced by G.
Protein change: p.Met501Arg; replaces methionine 501 with arginine.
Molecular consequence: missense variant.
Genome position (GRCh38, 1-based): chr1:244,857,710, A>C on the plus strand (T>G on the coding strand, the complement: HNRNPU is on the minus strand). VCF-style: chr1-244857710-A-C. GRCh37 (hg19) VCF-style: chr1-245021012-A-C.
Other names: c.1445T>G, p.Met482Arg (NM_004501.3); short protein forms M482R, M501R.
Identifiers: ClinVar variation 985977 (VCV000985977.4), dbSNP rs1680716669, ClinGen allele CA345491091.